The following is an entry in ClinVar:

ClinVar aggregate classification (germline): Likely pathogenic (1 of 4 stars; one submission).

Conditions:
Distal myopathy with posterior leg and anterior hand involvement. Also called: WILLIAMS DISTAL MYOPATHY. Identifiers: Orphanet 63273, MedGen C3279722, MONDO:0013550, OMIM 614065.
Myofibrillar myopathy 5. Also called: Filaminopathy (type); FILAMINOPATHY, AUTOSOMAL DOMINANT. Identifiers: Orphanet 171445, MedGen C1836050, MONDO:0012289, OMIM 609524.
Hypertrophic cardiomyopathy 26. Also called: Cardiomyopathy, familial hypertrophic, 26. Identifiers: Orphanet 75249, MedGen C4310749, MONDO:0014883, OMIM 617047.

Submission:

Labcorp Genetics (formerly Invitae), Labcorp
Classification: Likely pathogenic for Distal myopathy with posterior leg and anterior hand involvement; Myofibrillar myopathy 5; Hypertrophic cardiomyopathy 26. Last evaluated: 2019-05-26. Review status: criteria provided, single submitter. Criteria: Invitae Variant Classification Sherloc (09022015). Collection method: clinical testing. Allele origin: germline.
Comment: In summary, the currently available evidence indicates that the variant is pathogenic, but additional data are needed to prove that conclusively. Therefore, this variant has been classified as Likely Pathogenic. This sequence change affects a donor splice site in intron 46 of the FLNC gene. It is expected to disrupt RNA splicing and likely results in an absent or disrupted protein product. This variant is not present in population databases (ExAC no frequency). This variant has not been reported in the literature in individuals with FLNC-related disease. Algorithms developed to predict the effect of sequence changes on RNA splicing suggest that this variant may disrupt the consensus splice site, but this prediction has not been confirmed by published transcriptional studies. Donor and acceptor splice site variants typically lead to a loss of protein function (PMID: 16199547), and loss-of-function variants in FLNC are known to be pathogenic (PMID: 27908349).

Literature cited by the submitters: PubMed 16199547; PubMed 27908349.

NM_001458.5(FLNC):c.7780+1G>A

Genes: FLNC-AS1 (FLNC antisense RNA 1; minus strand), FLNC (filamin C; plus strand). Cytogenetic location: 7q32.1.
Variant type: single nucleotide variant.
Coding change: c.7780+1G>A on transcript NM_001458.5 (MANE Select); the canonical splice donor site of the intron after coding-DNA position 7780, G replaced by A.
Molecular consequence: splice donor variant.
Genome position (GRCh38, 1-based): chr7:128,857,337, G>A. VCF-style: chr7-128857337-G-A. GRCh37 (hg19) VCF-style: chr7-128497391-G-A.
Other names: c.7681+1G>A (NM_001127487.2).
Identifiers: ClinVar variation 582258 (VCV000582258.9), dbSNP rs1563005607, ClinGen allele CA369219986.